The following is an entry in ClinVar:

NM_006949.4(STXBP2):c.1696+77G>A

Gene: STXBP2 (syntaxin binding protein 2; plus strand). Cytogenetic location: 19p13.2.
Variant type: single nucleotide variant.
Coding change: c.1696+77G>A on transcript NM_006949.4 (MANE Select); 77 bases into the intron after coding-DNA position 1696, G replaced by A.
Molecular consequence: intron variant.
Genome position (GRCh38, 1-based): chr19:7,647,588, G>A. VCF-style: chr19-7647588-G-A. GRCh37 (hg19) VCF-style: chr19-7712474-G-A.
Other names: c.1729+77G>A (NM_001272034.2); c.1687+77G>A (NM_001127396.3).
Identifiers: ClinVar variation 1287453 (VCV001287453.4), dbSNP rs794074, ClinGen allele CA14634013.

ClinVar aggregate classification (germline): Benign. Review status: criteria provided, multiple submitters, no conflicts (2 of 4 stars). 3 submissions from 3 submitters: Benign (3). Last evaluated 2023-11-12.

Allele frequency attached by ClinVar (database versions not stated): 1000 Genomes Project 0.46146; 1000 Genomes Project 30x 0.46455; TOPMed 0.53569; gnomAD 0.54384 and 0.55264; gnomAD exomes 0.57894.

Submissions (3):

Unidad de Genómica Garrahan, Hospital de Pediatría Garrahan
Classification: Benign. Last evaluated: 2023-11-12. Review status: criteria provided, single submitter. Criteria: ACMG Guidelines, 2015. Collection method: clinical testing. Allele origin: germline. Affected: no. Observed: 22 variant alleles.
Comment: This variant is classified as Benign based on local population frequency. This variant was detected in 23% of patients studied by a panel of primary immunodeficiencies. Number of patients: 22. Only high quality variants are reported.

GeneDx
Classification: Benign. Last evaluated: 2021-06-19. Review status: criteria provided, single submitter. Criteria: GeneDx Variant Classification Process June 2021. Collection method: clinical testing. Allele origin: germline. Affected: yes.

Breakthrough Genomics
Classification: Benign. Review status: criteria provided, single submitter. Criteria: ACMG Guidelines, 2015. Collection method: not provided. Allele origin: germline. Inheritance: Autosomal recessive inheritance. Affected: yes.